The following is an entry in ClinVar:

ClinVar aggregate classification (germline): Likely pathogenic (1 of 4 stars; one submission).

Conditions:
Menkes kinky-hair syndrome (MNK). Also called: Copper transport disease; Menkes Disease; Classic Menkes Disease. Identifiers: Orphanet 565, MedGen C0022716, MONDO:0010651, OMIM 309400.
Cutis laxa, X-linked (OHS). Also called: EDS IX; Occipital horn syndrome. Identifiers: Orphanet 198, MedGen C0268353, MONDO:0010572, OMIM 304150.
X-linked distal spinal muscular atrophy type 3. Also called: ATP7A-Related Distal Motor Neuropathy; SPINAL MUSCULAR ATROPHY, DISTAL, X-LINKED RECESSIVE; NEURONOPATHY, DISTAL HEREDITARY MOTOR, X-LINKED; NEUROPATHY, DISTAL HEREDITARY MOTOR, X-LINKED. Identifiers: Orphanet 139557, MedGen C1845359, MONDO:0010338, OMIM 300489.

Submission:

Labcorp Genetics (formerly Invitae), Labcorp
Classification: Likely pathogenic for X-linked distal spinal muscular atrophy type 3; Cutis laxa, X-linked; Menkes kinky-hair syndrome. Last evaluated: 2022-11-26. Review status: criteria provided, single submitter. Criteria: Invitae Variant Classification Sherloc (09022015). Collection method: clinical testing. Allele origin: germline.
Comment: In summary, the currently available evidence indicates that the variant is pathogenic, but additional data are needed to prove that conclusively. Therefore, this variant has been classified as Likely Pathogenic. Algorithms developed to predict the effect of sequence changes on RNA splicing suggest that this variant may disrupt the consensus splice site. This variant has not been reported in the literature in individuals affected with ATP7A-related conditions. This variant is not present in population databases (gnomAD no frequency). This variant results in the deletion of part of exon 13 (c.2773_2781+4del) of the ATP7A gene. It is expected to disrupt RNA splicing. Variants that disrupt the donor or acceptor splice site typically lead to a loss of protein function (PMID: 16199547), and loss-of-function variants in ATP7A are known to be pathogenic (PMID: 11241493, 20652413).

Literature cited by the submitters: PubMed 16199547; PubMed 11241493; PubMed 20652413.

NM_000052.7(ATP7A):c.2773_2781+4del

Gene: ATP7A (ATPase copper transporting alpha; plus strand). Cytogenetic location: Xq21.1.
Variant type: Deletion.
Coding change: c.2773_2781+4del on transcript NM_000052.7 (MANE Select); coding-DNA position 2773 through 4 bases into the intron after coding-DNA position 2781, 13 bases deleted (ACATCAAAGGTAA).
Molecular consequence: splice donor variant.
Genome position (GRCh38, 1-based): chrX:78,020,390-78,020,402, ACATCAAAGGTAA deleted; deleting any 13 consecutive bases within chrX:78,020,388-78,020,402 gives the same sequence; the c. name uses the placement nearest the transcript's 3' end. VCF-style (leftmost placement, unchanged base first): chrX-78020387-CAAACATCAAAGGT-C. GRCh37 (hg19) VCF-style: chrX-77275884-CAAACATCAAAGGT-C.
Other names: c.2539_2547+4del (NM_001282224.2).
Identifiers: ClinVar variation 2941869 (VCV002941869.3), dbSNP rs2522372906, ClinGen allele CA2740092243.